The following is an entry in ClinVar:

ClinVar aggregate classification (germline): Uncertain significance (1 of 4 stars; one submission).

Submission:

CeGaT Center for Human Genetics Tuebingen
Classification: Uncertain significance. Last evaluated: 2025-02-01. Review status: criteria provided, single submitter. Criteria: CeGaT Center For Human Genetics Tuebingen Variant Classification Criteria Version 2. Collection method: clinical testing. Allele origin: germline. Affected: yes. Observed: 1 variant allele.
Comment: RBM10: PM2, PP3

NM_005676.5(RBM10):c.-126+34A>T

Gene: RBM10 (RNA binding motif protein 10; plus strand). Cytogenetic location: Xp11.3.
Variant type: single nucleotide variant.
Coding change: c.-126+34A>T on transcript NM_005676.5 (MANE Select); 34 bases into the intron after 126 bases upstream of the start codon, A replaced by T.
Molecular consequence: intron variant.
Genome position (GRCh38, 1-based): chrX:47,145,519, A>T. VCF-style: chrX-47145519-A-T. GRCh37 (hg19) VCF-style: chrX-47004918-A-T.
Other names: c.70+3A>T (NM_001204468.2); c.-126+34A>T (NM_001204467.2, NM_001204466.2, NM_152856.3).
Identifiers: ClinVar variation 3772376 (VCV003772376.13).